The following is an entry in ClinVar:

NM_020754.4(ARHGAP31):c.386C>T (p.Ala129Val)

Gene: ARHGAP31 (Rho GTPase activating protein 31; plus strand). Cytogenetic location: 3q13.33.
Variant type: single nucleotide variant.
Coding change: c.386C>T on transcript NM_020754.4 (MANE Select); coding-DNA position 386, C replaced by T.
Protein change: p.Ala129Val; replaces alanine 129 with valine.
Molecular consequence: missense variant.
Genome position (GRCh38, 1-based): chr3:119,380,941, C>T. VCF-style: chr3-119380941-C-T. GRCh37 (hg19) VCF-style: chr3-119099788-C-T.
Other names: short protein forms A129V.
Identifiers: ClinVar variation 3366795 (VCV003366795.1).

ClinVar aggregate classification (germline): Uncertain significance (1 of 4 stars; one submission).

gnomAD v4.1: 11 of 1,613,978 alleles (0.00068%); highest among the groups gnomAD compares: African/African-American, 0.0027%; no homozygotes.

Submission:

Women's Health and Genetics/Laboratory Corporation of America, LabCorp
Classification: Uncertain significance. Last evaluated: 2024-08-14. Review status: criteria provided, single submitter. Criteria: LabCorp Variant Classification Summary - May 2015. Collection method: clinical testing. Allele origin: germline.
Comment: Variant summary: ARHGAP31 c.386C>T (p.Ala129Val) results in a non-conservative amino acid change located in the Rho GTPase-activating protein domain (IPR000198) of the encoded protein sequence. Three of five in-silico tools predict a benign effect of the variant on protein function. The variant allele was found at a frequency of 1.2e-05 in 249556 control chromosomes (gnomAD). The available data on variant occurrences in the general population are insufficient to allow any conclusion about variant significance. To our knowledge, no occurrence of c.386C>T in individuals affected with Adams-Oliver Syndrome 1 and no experimental evidence demonstrating its impact on protein function have been reported. No submitters have cited clinical-significance assessments for this variant to ClinVar. Based on the evidence outlined above, the variant was classified as uncertain significance.